The following is an entry in ClinVar:

ClinVar aggregate classification (germline): Likely pathogenic (1 of 4 stars; one submission).

Conditions:
Amyotrophic lateral sclerosis type 6. Also called: AMYOTROPHIC LATERAL SCLEROSIS 6 WITHOUT FRONTOTEMPORAL DEMENTIA; Amyotrophic lateral sclerosis 6, with or without frontotemporal dementia; FUS-Related Amyotrophic Laterial Sclerosis. Identifiers: Orphanet 275872, Orphanet 803, MedGen C2931786, MONDO:0011951, OMIM 608030.

Submission:

3billion
Classification: Likely pathogenic for Amyotrophic lateral sclerosis type 6. Last evaluated: 2022-01-03. Review status: criteria provided, single submitter. Criteria: ACMG Guidelines, 2015. Collection method: clinical testing. Allele origin: germline. Affected: yes. Observed: 1 heterozygote.
Comment: Canonical splice site: predicted to alter splicing and result in a loss or disruption of normal protein function through protein truncation. Multiple pathogenic variants are reported in the predicted truncated region (PVS1_VS). It is not observed in the gnomAD v2.1.1 dataset (PM2_M). Therefore, this variant is classified as likely pathogenic according to the recommendation of ACMG/AMP guideline.

NM_004960.4(FUS):c.1542-1G>C

Gene: FUS (FUS RNA binding protein; plus strand). Cytogenetic location: 16p11.2.
Variant type: single nucleotide variant.
Coding change: c.1542-1G>C on transcript NM_004960.4 (MANE Select); the canonical splice acceptor site of the intron before coding-DNA position 1542, G replaced by C.
Molecular consequence: splice acceptor variant.
Genome position (GRCh38, 1-based): chr16:31,191,398, G>C. VCF-style: chr16-31191398-G-C. GRCh37 (hg19) VCF-style: chr16-31202719-G-C.
Other names: c.1530-1G>C (NM_001170937.1); c.1539-1G>C (NM_001170634.1).
Identifiers: ClinVar variation 1333381 (VCV001333381.1), dbSNP rs1596914113, ClinGen allele CA395677215.